The following is an entry in ClinVar:

NM_020778.5(ALPK3):c.791G>T (p.Gly264Val)

Gene: ALPK3 (alpha kinase 3; plus strand). Cytogenetic location: 15q25.3.
Variant type: single nucleotide variant.
Coding change: c.791G>T on transcript NM_020778.5 (MANE Select); coding-DNA position 791, G replaced by T.
Protein change: p.Gly264Val; replaces glycine 264 with valine.
Molecular consequence: missense variant.
Genome position (GRCh38, 1-based): chr15:84,840,070, G>T. VCF-style: chr15-84840070-G-T. GRCh37 (hg19) VCF-style: chr15-85383301-G-T.
Other names: short protein forms G264V.
Identifiers: ClinVar variation 1416436 (VCV001416436.9), dbSNP rs747849453, ClinGen allele CA7709072.
Genomic context (GRCh38, chr15:84,840,070, plus strand): 5'-GTGGGACCCTGGCGGCTTGGCAGGAGGGAGAGACTGAGACTGCTCAGCACTCAGGTTTGG[G>T]CCTGATCAACAGTTTTGCTTCTGGAGAAGTGACCACCAACGGGGAGGCTGCCCCCGAGAA-3'
Protein context (NP_065829.4, residues 254-274): ETETAQHSGL[Gly264Val]LINSFASGEV

ClinVar aggregate classification (germline): Uncertain significance. Review status: criteria provided, multiple submitters, no conflicts (2 of 4 stars). 2 submissions from 2 submitters: Uncertain significance (2). Last evaluated 2026-01-19.

Conditions:
Cardiovascular phenotype. Identifiers: MedGen CN230736.

Allele frequency attached by ClinVar (database versions not stated): gnomAD 0.00005; TOPMed 0.00007.
gnomAD v4.1: 51 of 1,614,004 alleles (0.0032%); highest among the groups gnomAD compares: Admixed American, 0.02%; no homozygotes.

Submissions (2):

Labcorp Genetics (formerly Invitae), Labcorp
Classification: Uncertain significance. Last evaluated: 2026-01-19. Review status: criteria provided, single submitter. Criteria: Invitae Variant Classification Sherloc (09022015). Collection method: clinical testing. Allele origin: germline.
Comment: This sequence change replaces glycine, which is neutral and non-polar, with valine, which is neutral and non-polar, at codon 466 of the ALPK3 protein (p.Gly466Val). This variant is present in population databases (rs747849453, gnomAD 0.09%). This variant has not been reported in the literature in individuals affected with ALPK3-related conditions. ClinVar contains an entry for this variant (Variation ID: 1416436). Invitae Evidence Modeling of protein sequence and biophysical properties (such as structural, functional, and spatial information, amino acid conservation, physicochemical variation, residue mobility, and thermodynamic stability) indicates that this missense variant is expected to disrupt ALPK3 protein function with a positive predictive value of 80%. In summary, the available evidence is currently insufficient to determine the role of this variant in disease. Therefore, it has been classified as a Variant of Uncertain Significance.

Ambry Genetics
Classification: Uncertain significance for Cardiovascular phenotype. Last evaluated: 2025-05-23. Review status: criteria provided, single submitter. Criteria: Ambry Variant Classification Scheme 2023. Collection method: clinical testing. Allele origin: germline.
Comment: The p.G466V variant (also known as c.1397G>T), located in coding exon 5 of the ALPK3 gene, results from a G to T substitution at nucleotide position 1397. The glycine at codon 466 is replaced by valine, an amino acid with dissimilar properties. This amino acid position is highly conserved in available vertebrate species. In addition, the in silico prediction for this alteration is inconclusive. Based on the available evidence, the clinical significance of this variant remains unclear.